The following is an entry in ClinVar:

NM_014319.5(LEMD3):c.1241C>A (p.Ala414Glu)

Gene: LEMD3 (LEM domain containing 3; plus strand). Cytogenetic location: 12q14.3.
Variant type: single nucleotide variant.
Coding change: c.1241C>A on transcript NM_014319.5 (MANE Select); coding-DNA position 1241, C replaced by A.
Protein change: p.Ala414Glu; replaces alanine 414 with glutamic acid.
Molecular consequence: missense variant.
Genome position (GRCh38, 1-based): chr12:65,170,837, C>A. VCF-style: chr12-65170837-C-A. GRCh37 (hg19) VCF-style: chr12-65564617-C-A.
Other names: c.1241C>A, p.Ala414Glu (NM_001167614.2); short protein forms A414E.
Identifiers: ClinVar variation 4734358 (VCV004734358.1).

ClinVar aggregate classification (germline): Uncertain significance (1 of 4 stars; one submission).

Submission:

Labcorp Genetics (formerly Invitae), Labcorp
Classification: Uncertain significance. Last evaluated: 2025-11-21. Review status: criteria provided, single submitter. Criteria: Invitae Variant Classification Sherloc (09022015). Collection method: clinical testing. Allele origin: germline.
Comment: This sequence change replaces alanine, which is neutral and non-polar, with glutamic acid, which is acidic and polar, at codon 414 of the LEMD3 protein (p.Ala414Glu). This variant is not present in population databases (gnomAD no frequency). This variant has not been reported in the literature in individuals affected with LEMD3-related conditions. Invitae Evidence Modeling of protein sequence and biophysical properties (such as structural, functional, and spatial information, amino acid conservation, physicochemical variation, residue mobility, and thermodynamic stability) indicates that this missense variant is not expected to disrupt LEMD3 protein function with a negative predictive value of 80%. In summary, the available evidence is currently insufficient to determine the role of this variant in disease. Therefore, it has been classified as a Variant of Uncertain Significance.